The following is an entry in ClinVar:

NM_001330260.2(SCN8A):c.2320C>T (p.His774Tyr)

Gene: SCN8A (sodium voltage-gated channel alpha subunit 8; plus strand). Cytogenetic location: 12q13.13.
Variant type: single nucleotide variant.
Coding change: c.2320C>T on transcript NM_001330260.2 (MANE Select); coding-DNA position 2320, C replaced by T.
Protein change: p.His774Tyr; replaces histidine 774 with tyrosine.
Molecular consequence: missense variant.
Genome position (GRCh38, 1-based): chr12:51,751,543, C>T. VCF-style: chr12-51751543-C-T. GRCh37 (hg19) VCF-style: chr12-52145327-C-T.
Other names: c.2320C>T, p.His774Tyr (NM_001177984.3, NM_001369788.1, NM_014191.4); short protein forms H774Y.
Identifiers: ClinVar variation 1199238 (VCV001199238.11), dbSNP rs1565910864, ClinGen allele CA384880122.

ClinVar aggregate classification (germline): Uncertain significance. Review status: criteria provided, multiple submitters, no conflicts (2 of 4 stars). 2 submissions from 2 submitters: Uncertain significance (2). Last evaluated 2022-02-09.

Conditions:
SCN8A-related complex neurodevelopmental disorder.
Early-infantile DEE. Also called: Ohtahara syndrome; Early infantile epileptic encephalopathy with suppression bursts; Early infantile epileptic encephalopathy. Identifiers: Orphanet 1934, MedGen C0393706, MONDO:0800491.

Allele frequency attached by ClinVar (database versions not stated): gnomAD exomes below 0.00001 and 0.00001.
gnomAD v4.1: 18 of 1,613,886 alleles (0.0011%); highest among the groups gnomAD compares: Non-Finnish European, 0.0014%; no homozygotes.

Submissions (2):

Labcorp Genetics (formerly Invitae), Labcorp
Classification: Uncertain significance for Early-infantile DEE. Last evaluated: 2022-02-09. Review status: criteria provided, single submitter. Criteria: Invitae Variant Classification Sherloc (09022015). Collection method: clinical testing. Allele origin: germline.
Comment: In summary, the available evidence is currently insufficient to determine the role of this variant in disease. Therefore, it has been classified as a Variant of Uncertain Significance. Algorithms developed to predict the effect of missense changes on protein structure and function are either unavailable or do not agree on the potential impact of this missense change (SIFT: "Deleterious"; PolyPhen-2: "Benign"; Align-GVGD: "Class C0"). ClinVar contains an entry for this variant (Variation ID: 1199238). This missense change has been observed in individual(s) with clinical features of SCN8A-related conditions (Invitae). This variant is not present in population databases (gnomAD no frequency). This sequence change replaces histidine, which is basic and polar, with tyrosine, which is neutral and polar, at codon 774 of the SCN8A protein (p.His774Tyr).

Illumina Laboratory Services, Illumina
Classification: Uncertain significance for SCN8A-related complex neurodevelopmental disorder. Last evaluated: 2021-02-11. Review status: criteria provided, single submitter. Criteria: ICSLVariantClassificationCriteria RUGD 01 April 2020. Collection method: clinical testing. Allele origin: unknown.
Comment: The SCN8A c.2320C>T (p.His774Tyr) variant is a missense variant. A literature search was conducted for the gene, cDNA change, and amino acid change. No publications were found for this variant through this search. This variant is reported at a frequency of 0.000009 in the European (non-Finnish) population of the Genome Aggregation Database. However, this frequency is based on one allele in a region of good sequence coverage. The p.His774Tyr is located in the extracellular linker between segments one and two of the second transmembrane domain; missense variants within segment one of the same transmembrane domain have been reported previously (Estacion et al. 2014; Butler et al. 2017). In silico tools consistently predict a functional effect of this variant, but these predictions have not been tested experimentally. Based on the available evidence, the p.His774Tyr variant is classified as a variant of uncertain significance for SCN8A-related complex neurodevelopmental disorder.

Literature cited by the submitters: PubMed 24874546 (cited by Illumina Laboratory Services, Illumina); PubMed 27875746 (cited by Illumina Laboratory Services, Illumina).